The following is an entry in ClinVar:

NM_003073.5(SMARCB1):c.500+6G>C

Gene: SMARCB1 (SWI/SNF related BAF chromatin remodeling complex subunit B1; plus strand). Cytogenetic location: 22q11.23.
Variant type: single nucleotide variant.
Coding change: c.500+6G>C on transcript NM_003073.5 (MANE Select); 6 bases into the intron after coding-DNA position 500, G replaced by C.
Molecular consequence: intron variant. On other transcripts: missense variant (2).
Genome position (GRCh38, 1-based): chr22:23,801,087, G>C. VCF-style: chr22-23801087-G-C. GRCh37 (hg19) VCF-style: chr22-24143274-G-C.
Other names: c.479G>C, p.Gly160Ala (NM_001317946.2); c.506G>C, p.Gly169Ala (NM_001362877.2); c.473+6G>C (NM_001007468.3); short protein forms G160A, G169A.
Identifiers: ClinVar variation 937664 (VCV000937664.10), dbSNP rs772329556, ClinGen allele CA10145924.

ClinVar aggregate classification (germline): Uncertain significance. Review status: criteria provided, multiple submitters, no conflicts (2 of 4 stars). 2 submissions from 2 submitters: Uncertain significance (2). Last evaluated 2026-01-28.

Conditions:
Rhabdoid tumor predisposition syndrome 1 (RTPS1). Also called: Familial Posterior Fossa Brain Tumor of Infancy. Identifiers: Orphanet 231108, Orphanet 69077, MedGen C1836327, MONDO:0012252, OMIM 609322.

Allele frequency attached by ClinVar (database versions not stated): gnomAD exomes below 0.00001; ExAC 0.00001; gnomAD 0.00001; TOPMed 0.00001.

Submissions (2):

Labcorp Genetics (formerly Invitae), Labcorp
Classification: Uncertain significance. Last evaluated: 2026-01-28. Review status: criteria provided, single submitter. Criteria: Invitae Variant Classification Sherloc (09022015). Collection method: clinical testing. Allele origin: germline.
Comment: This sequence change falls in intron 4 of the SMARCB1 gene. It does not directly change the encoded amino acid sequence of the SMARCB1 protein. It affects a nucleotide within the consensus splice site. This variant is present in population databases (rs772329556, gnomAD 0.007%). This variant has not been reported in the literature in individuals affected with SMARCB1-related conditions. ClinVar contains an entry for this variant (Variation ID: 937664). Variants that disrupt the consensus splice site are a relatively common cause of aberrant splicing (PMID: 17576681, 9536098). Algorithms developed to predict the effect of sequence changes on RNA splicing suggest that this variant is not likely to affect RNA splicing. In summary, the available evidence is currently insufficient to determine the role of this variant in disease. Therefore, it has been classified as a Variant of Uncertain Significance.

St. Jude Molecular Pathology, St. Jude Children's Research Hospital
Classification: Uncertain significance for Rhabdoid tumor predisposition syndrome 1. Last evaluated: 2023-05-23. Review status: criteria provided, single submitter. Criteria: St. Jude Assertion Criteria 2020. Collection method: clinical testing. Allele origin: germline.
Comment: The SMARCB1 c.500+6G>C intronic change results in a G to C substitution at the +6 position of intron 4 of the SMARCB1 gene. Algorithms that predict the impact of sequence changes on splicing indicate that this variant may affect splicing. This variant has a maximum subpopulation frequency of 0.0035% in gnomAD v2.1.1. To our knowledge, this variant has not been reported in individuals with rhabdoid tumor predisposition syndrome. In summary, the evidence currently available is insufficient to determine the clinical significance of this variant. It has therefore been classified as of uncertain significance.

Literature cited by the submitters: PubMed 17576681 (cited by Labcorp Genetics (formerly Invitae), Labcorp); PubMed 9536098 (cited by Labcorp Genetics (formerly Invitae), Labcorp).